The following is an entry in ClinVar:

ClinVar aggregate classification (germline): Pathogenic/Likely pathogenic. Review status: criteria provided, multiple submitters, no conflicts (2 of 4 stars). 2 submissions from 2 submitters: Pathogenic (1); Likely pathogenic (1). Last evaluated 2025-03-07.

Conditions:
Corneal dystrophy-perceptive deafness syndrome (CDPD). Also called: CORNEAL DYSTROPHY AND SENSORINEURAL DEAFNESS; HARBOYAN SYNDROME. Identifiers: Orphanet 1490, MedGen C1857572, MONDO:0009015, OMIM 217400.

Allele frequency attached by ClinVar (database versions not stated): ExAC 0.00001; gnomAD exomes 0.00001.

Submissions (2):

Natera, Inc.
Classification: Likely pathogenic for Corneal dystrophy-perceptive deafness syndrome. Last evaluated: 2025-03-07. Review status: criteria provided, single submitter. Criteria: Natera Variant Classification Schema (03/2026). Collection method: clinical testing. Allele origin: germline.
Comment: The c.2437-1G>A variant in SLC4A11 is a canonical splice acceptor site variant predicted to affect pre-mRNA splicing, which may result in an abnormal transcript and altered protein product. This variant is expected to result in nonsense mediated decay, truncation, or a dysfunctional protein product. This variant is rare in the general population with a frequency below the threshold expected for the associated phenotype(s). This variant has been observed in one or more individuals affected with the associated recessive disease, as either homozygous or compound heterozygous with a second variant (PMID: 17397048). Additionally, this variant has been observed to segregate in affected family members (PMID: 17397048). Given the available evidence, this variant is classified as Likely Pathogenic.

Labcorp Genetics (formerly Invitae), Labcorp
Classification: Pathogenic. Last evaluated: 2020-12-31. Review status: criteria provided, single submitter. Criteria: Invitae Variant Classification Sherloc (09022015). Collection method: clinical testing. Allele origin: germline.
Comment: For these reasons, this variant has been classified as Pathogenic. Algorithms developed to predict the effect of sequence changes on RNA splicing suggest that this variant may disrupt the consensus splice site, but this prediction has not been confirmed by published transcriptional studies. This variant has been observed in individual(s) with congenital hereditary endothelial dystrophy (PMID: 17397048). It has also been observed to segregate with disease in related individuals. This variant is present in population databases (rs748689368, ExAC 0.002%). This sequence change affects an acceptor splice site in intron 17 of the SLC4A11 gene. It is expected to disrupt RNA splicing. Variants that disrupt the donor or acceptor splice site typically lead to a loss of protein function (PMID: 16199547), and loss-of-function variants in SLC4A11 are known to be pathogenic (PMID: 17220209, 17679935).

Literature cited by the submitters: PubMed 17397048 (cited by Natera, Inc. and Labcorp Genetics (formerly Invitae), Labcorp); PubMed 16199547 (cited by Labcorp Genetics (formerly Invitae), Labcorp); PubMed 17220209 (cited by Labcorp Genetics (formerly Invitae), Labcorp); PubMed 17679935 (cited by Labcorp Genetics (formerly Invitae), Labcorp).

NM_001174089.2(SLC4A11):c.2389-1G>A

Gene: SLC4A11 (solute carrier family 4 member 11; minus strand). Cytogenetic location: 20p13.
Variant type: single nucleotide variant.
Coding change: c.2389-1G>A on transcript NM_001174089.2 (MANE Select); the canonical splice acceptor site of the intron before coding-DNA position 2389, G replaced by A.
Molecular consequence: splice acceptor variant.
Genome position (GRCh38, 1-based): chr20:3,228,429, C>T on the plus strand (G>A on the coding strand, the complement: SLC4A11 is on the minus strand). VCF-style: chr20-3228429-C-T. GRCh37 (hg19) VCF-style: chr20-3209075-C-T.
Other names: c.2332-1G>A (NM_001400277.1, NM_001400278.1, NM_001400279.1); c.2275-1G>A (NM_001363745.2); c.2404-1G>A (NM_001400280.1); c.2518-1G>A (NM_001174090.2); c.2437-1G>A (NM_032034.4, NM_032034.3).
Identifiers: ClinVar variation 1360321 (VCV001360321.9), dbSNP rs748689368, ClinGen allele CA9741467.